The following is an entry in ClinVar:

NM_004415.4(DSP):c.2620A>T (p.Ile874Phe)

Gene: DSP (desmoplakin; plus strand). Cytogenetic location: 6p24.3.
Variant type: single nucleotide variant.
Coding change: c.2620A>T on transcript NM_004415.4 (MANE Select); coding-DNA position 2620, A replaced by T.
Protein change: p.Ile874Phe; replaces isoleucine 874 with phenylalanine.
Molecular consequence: missense variant.
Genome position (GRCh38, 1-based): chr6:7,575,478, A>T. VCF-style: chr6-7575478-A-T. GRCh37 (hg19) VCF-style: chr6-7575711-A-T.
Other names: c.2620A>T, p.Ile874Phe (NM_001008844.3, NM_001319034.2); short protein forms I874F.
Identifiers: ClinVar variation 927282 (VCV000927282.9), dbSNP rs1759212430, ClinGen allele CA362681743.

ClinVar aggregate classification (germline): Uncertain significance. Review status: criteria provided, multiple submitters, no conflicts (2 of 4 stars). 4 submissions from 4 submitters: Uncertain significance (4). Last evaluated 2025-09-22.

Conditions:
Cardiomyopathy (CMYO). Also called: Cardiomyopathies. Identifiers: Orphanet 167848, MedGen C0878544, MONDO:0004994, HP:0001638. Inheritance: Various modes of inheritance.
Arrhythmogenic cardiomyopathy with wooly hair and keratoderma. Also called: PALMOPLANTAR KERATODERMA WITH LEFT VENTRICULAR CARDIOMYOPATHY AND WOOLLY HAIR; Carvajal syndrome; Dilated cardiomyopathy with woolly hair and keratoderma; Arrhythmogenic cardiomyopathy with woolly hair and keratoderma. Identifiers: Orphanet 65282, MedGen C1854063, MONDO:0011581, OMIM 605676.
Arrhythmogenic right ventricular dysplasia 8 (ARVD8). Also called: ARRHYTHMOGENIC RIGHT VENTRICULAR DYSPLASIA, FAMILIAL, 8; Arrhythmogenic Right Ventricular Dysplasia/Cardiomyopathy 8; ARRHYTHMOGENIC RIGHT VENTRICULAR CARDIOMYOPATHY 8. Identifiers: MedGen C1843896, MONDO:0011831, OMIM 607450.
Hypertrophic cardiomyopathy. Also called: HYPERTROPHIC MYOCARDIOPATHY. Identifiers: Orphanet 217569, MedGen C0007194, MeSH D002312, MONDO:0005045, HP:0001639.

gnomAD v4.1: 38 of 1,614,146 alleles (0.0024%); highest among the groups gnomAD compares: Non-Finnish European, 0.0031%; no homozygotes.

Submissions (4):

Labcorp Genetics (formerly Invitae), Labcorp
Classification: Uncertain significance for Arrhythmogenic cardiomyopathy with wooly hair and keratoderma; Arrhythmogenic right ventricular dysplasia 8. Last evaluated: 2025-09-22. Review status: criteria provided, single submitter. Criteria: Invitae Variant Classification Sherloc (09022015). Collection method: clinical testing. Allele origin: germline.
Comment: This sequence change replaces isoleucine, which is neutral and non-polar, with phenylalanine, which is neutral and non-polar, at codon 874 of the DSP protein (p.Ile874Phe). This variant is not present in population databases (gnomAD no frequency). This variant has not been reported in the literature in individuals affected with DSP-related conditions. ClinVar contains an entry for this variant (Variation ID: 927282). An algorithm developed to predict the effect of missense changes on protein structure and function (PolyPhen-2) suggests that this variant is likely to be disruptive. In summary, the available evidence is currently insufficient to determine the role of this variant in disease. Therefore, it has been classified as a Variant of Uncertain Significance.

Color Diagnostics, LLC DBA Color Health
Classification: Uncertain significance for Cardiomyopathy. Last evaluated: 2024-03-06. Review status: criteria provided, single submitter. Criteria: ACMG Guidelines, 2015. Collection method: clinical testing. Allele origin: germline.
Comment: This missense variant replaces isoleucine with phenylalanine at codon 874 of the DSP protein. Computational prediction suggests that this variant may not impact protein structure and function (internally defined REVEL score threshold <= 0.5, PMID: 27666373). To our knowledge, functional studies have not been reported for this variant. This variant has not been reported in individuals affected with cardiovascular disorders in the literature. This variant has not been identified in the general population by the Genome Aggregation Database (gnomAD). The available evidence is insufficient to determine the role of this variant in disease conclusively. Therefore, this variant is classified as a Variant of Uncertain Significance.

Department of Pathology and Laboratory Medicine, Sinai Health System
Classification: Uncertain significance for hypertrophic cardiomyopathy. Last evaluated: 2022-01-17. Review status: criteria provided, single submitter. Criteria: ACMG Guidelines, 2015. Collection method: research. Allele origin: germline.

Victorian Clinical Genetics Services, Murdoch Childrens Research Institute
Classification: Uncertain significance for Arrhythmogenic right ventricular dysplasia 8. Last evaluated: 2020-10-15. Review status: criteria provided, single submitter. Criteria: ACMG Guidelines, 2015. Collection method: clinical testing. Allele origin: germline.
Comment: Based on the classification scheme VCGS_Germline_v1.3.3, this variant is classified as 3B-VUS. Following criteria are met: 0102 - Loss of function is a known mechanism of disease in this gene and is associated with ARVC (MIM#607450) and other DSP-associated cardiac disorders. (I) 0108 - This gene is associated with both recessive and dominant disease (OMIM). (I) 0112 - The condition associated with this gene has incomplete penetrance. (PMID: 29062697). (I) 0115 - Variants in this gene are known to have variable expressivity. (PMID: 29062697). (I) 0200 - Variant is predicted to result in a missense amino acid change from isoleucine to phenylalanine. (I) 0251 - This variant is heterozygous. (I) 0301 - Variant is absent from gnomAD (both v2 and v3). (SP) 0309 - An alternative amino acid change at the same position has been observed in gnomAD (v2) (12 heterozygotes, 0 homozygotes). (I) 0502 - Missense variant with conflicting in silico predictions and uninformative conservation. (I) 0604 - Variant is not located in an established domain, motif, hotspot or informative constraint region. (I) 0710 - Another missense variant comparable to the one identified in this case has inconclusive previous evidence for pathogenicity. An alternative change to methionine has been reported as VUS several times (ClinVar). (I) 0804 - This variant has previously been described as a variant of uncertain significance once (ClinVar). (I) 0905 - No published segregation evidence has been identified for this variant. (I) 1007 - No published functional evidence has been identified for this variant. (I) 1208 - Inheritance information for this variant is not currently available in this individual. (I) Legend: (SP) - Supporting pathogenic, (I) - Information, (SB) - Supporting benign

Literature cited by the submitters: PubMed 29062697 (cited by Victorian Clinical Genetics Services, Murdoch Childrens Research Institute).